The following is an entry in ClinVar:

NC_012920.1(MT-TT):m.15937A>G

Gene: MT-TT (mitochondrially encoded tRNA threonine; plus strand).
Variant type: single nucleotide variant.
Genome position: chrM-15937-A-G.
Identifiers: ClinVar variation 690247 (VCV000690247.1), dbSNP rs1603225605, ClinGen allele CA913175248.

ClinVar aggregate classification (germline): Benign (1 of 4 stars; one submission).

Conditions:
MELAS syndrome (MELAS). Also called: Juvenile myopathy, encephalopathy, lactic acidosis, stroke. Identifiers: Orphanet 550, MedGen C0162671, MONDO:0010789, OMIM 540000.

Submission:

Wong Mito Lab, Molecular and Human Genetics, Baylor College of Medicine
Classification: Benign for MELAS syndrome. Last evaluated: 2019-07-12. Review status: criteria provided, single submitter. Criteria: Modified ACMG Guidelines (Unpublished). Collection method: clinical testing. Allele origin: germline.
Comment: The NC_012920.1:m.15937A>G variant in MT-TT gene is interpreted to be a Benign variant based on the modified ACMG guidelines (unpublished). This variant meets the following evidence codes reported in the guidelines: BS1, BS2, BP4

Literature cited by the submitters: PubMed 31965079.